The following is an entry in ClinVar:

NM_001128225.3(SLC39A13):c.229A>C (p.Met77Leu)

Gene: SLC39A13 (solute carrier family 39 member 13; plus strand). Cytogenetic location: 11p11.2.
Variant type: single nucleotide variant.
Coding change: c.229A>C on transcript NM_001128225.3 (MANE Select); coding-DNA position 229, A replaced by C.
Protein change: p.Met77Leu; replaces methionine 77 with leucine.
Molecular consequence: missense variant. On other transcripts: non-coding transcript variant (1).
Genome position (GRCh38, 1-based): chr11:47,410,323, A>C. VCF-style: chr11-47410323-A-C. GRCh37 (hg19) VCF-style: chr11-47431874-A-C.
Other names: c.229A>C, p.Met77Leu (NM_001330245.2, NM_001441271.1, NM_001441272.1 and 5 more transcripts); c.229A>C (NM_152264.4); short protein forms M77L.
Identifiers: ClinVar variation 4689093 (VCV004689093.2).
Genomic context (GRCh38, chr11:47,410,323, plus strand): 5'-GGGGCTCTGCTGAGCGGAGAGCGGCTGGACACCTGGATCTGCTCCCTCCTGGGTTCCCTC[A>C]TGGTGGGGCTCAGTGGGGTCTTCCCGTTGCTTGTCATTCCCCTAGAGATGGGGACCATGC-3'
Protein context (NP_001121697.2, residues 67-87): TWICSLLGSL[Met77Leu]VGLSGVFPLL

ClinVar aggregate classification (germline): Uncertain significance. Review status: criteria provided, multiple submitters, no conflicts (2 of 4 stars). 2 submissions from 2 submitters: Uncertain significance (2). Last evaluated 2026-01-22.

Conditions:
SLC39A13-related disorder. Also called: SLC39A13-related condition.

Submissions (2):

Women's Health and Genetics/Laboratory Corporation of America, LabCorp
Classification: Uncertain significance. Last evaluated: 2026-01-22. Review status: criteria provided, single submitter. Criteria: LabCorp Variant Classification Summary - May 2015. Collection method: clinical testing. Allele origin: germline.

PreventionGenetics, part of Exact Sciences
Classification: Uncertain significance for SLC39A13-related condition. Last evaluated: 2025-07-31. Review status: criteria provided, single submitter. Criteria: ACMG Guidelines, 2015. Collection method: clinical testing. Allele origin: germline.
Comment: The SLC39A13 c.229A>C variant is predicted to result in the amino acid substitution p.Met77Leu. To our knowledge, this variant has not been reported in the literature. This variant is reported in 0.0080% of alleles in individuals of African descent in gnomAD. At this time, the clinical significance of this variant is uncertain due to the absence of conclusive functional and genetic evidence.